The following is an entry in ClinVar:

NM_004994.3(MMP9):c.518C>A (p.Ala173Glu)

Gene: MMP9 (matrix metallopeptidase 9; plus strand). Cytogenetic location: 20q13.12.
Variant type: single nucleotide variant.
Coding change: c.518C>A on transcript NM_004994.3 (MANE Select); coding-DNA position 518, C replaced by A.
Protein change: p.Ala173Glu; replaces alanine 173 with glutamic acid.
Molecular consequence: missense variant.
Genome position (GRCh38, 1-based): chr20:46,010,629, C>A. VCF-style: chr20-46010629-C-A. GRCh37 (hg19) VCF-style: chr20-44639268-C-A.
Other names: short protein forms A173E.
Identifiers: ClinVar variation 1919501 (VCV001919501.5), dbSNP rs202214757, ClinGen allele CA9886406.

ClinVar aggregate classification (germline): Uncertain significance (1 of 4 stars; one submission).

Allele frequency attached by ClinVar (database versions not stated): gnomAD 0.00003; gnomAD exomes 0.00004; ExAC 0.00012.

Submission:

Labcorp Genetics (formerly Invitae), Labcorp
Classification: Uncertain significance. Last evaluated: 2022-08-09. Review status: criteria provided, single submitter. Criteria: Invitae Variant Classification Sherloc (09022015). Collection method: clinical testing. Allele origin: germline.
Comment: This sequence change replaces alanine, which is neutral and non-polar, with glutamic acid, which is acidic and polar, at codon 173 of the MMP9 protein (p.Ala173Glu). In summary, the available evidence is currently insufficient to determine the role of this variant in disease. Therefore, it has been classified as a Variant of Uncertain Significance. Algorithms developed to predict the effect of missense changes on protein structure and function (SIFT, PolyPhen-2, Align-GVGD) all suggest that this variant is likely to be tolerated. This variant has not been reported in the literature in individuals affected with MMP9-related conditions. This variant is present in population databases (rs202214757, gnomAD 0.07%), and has an allele count higher than expected for a pathogenic variant.